The following is an entry in ClinVar:

NM_031935.3(HMCN1):c.6296G>A (p.Arg2099Gln)

Gene: HMCN1 (hemicentin 1; plus strand). Cytogenetic location: 1q31.1.
Variant type: single nucleotide variant.
Coding change: c.6296G>A on transcript NM_031935.3 (MANE Select); coding-DNA position 6296, G replaced by A.
Protein change: p.Arg2099Gln; replaces arginine 2099 with glutamine.
Molecular consequence: missense variant.
Genome position (GRCh38, 1-based): chr1:186,041,128, G>A. VCF-style: chr1-186041128-G-A. GRCh37 (hg19) VCF-style: chr1-186010260-G-A.
Other names: short protein forms R2099Q.
Identifiers: ClinVar variation 876604 (VCV000876604.8), dbSNP rs116409560, ClinGen allele CA1292516.

ClinVar aggregate classification (germline): Uncertain significance. Review status: criteria provided, multiple submitters, no conflicts (2 of 4 stars). 3 submissions from 3 submitters: Uncertain significance (3). Last evaluated 2025-04-08.

Conditions:
Age related macular degeneration 1 (ARMD1). Also called: MACULOPATHY, AGE-RELATED, 1. Identifiers: MedGen C1864205, MONDO:0011285, OMIM 603075.

Allele frequency attached by ClinVar (database versions not stated): ExAC 0.00002; TOPMed 0.00006; ESP Exome Variant Server 0.00008; gnomAD exomes 0.00001; gnomAD 0.00009; 1000 Genomes Project 0.00040; 1000 Genomes Project 30x 0.00047.
gnomAD v4.1: 36 of 1,612,448 alleles (0.0022%); highest among the groups gnomAD compares: African/African-American, 0.035%; no homozygotes.

Submissions (3):

Labcorp Genetics (formerly Invitae), Labcorp
Classification: Uncertain significance. Last evaluated: 2025-04-08. Review status: criteria provided, single submitter. Criteria: Invitae Variant Classification Sherloc (09022015). Collection method: clinical testing. Allele origin: germline.
Comment: This sequence change replaces arginine, which is basic and polar, with glutamine, which is neutral and polar, at codon 2099 of the HMCN1 protein (p.Arg2099Gln). This variant is present in population databases (rs116409560, gnomAD 0.02%). This variant has not been reported in the literature in individuals affected with HMCN1-related conditions. ClinVar contains an entry for this variant (Variation ID: 876604). An algorithm developed to predict the effect of missense changes on protein structure and function (PolyPhen-2) suggests that this variant is likely to be disruptive. In summary, the available evidence is currently insufficient to determine the role of this variant in disease. Therefore, it has been classified as a Variant of Uncertain Significance.

Ambry Genetics
Classification: Uncertain significance. Last evaluated: 2024-12-17. Review status: criteria provided, single submitter. Criteria: Ambry Variant Classification Scheme 2023. Collection method: clinical testing. Allele origin: germline.

Illumina Laboratory Services, Illumina
Classification: Uncertain significance for Age related macular degeneration 1. Last evaluated: 2017-04-27. Review status: criteria provided, single submitter. Criteria: ICSL Variant Classification Criteria 13 December 2019. Collection method: clinical testing. Allele origin: germline.